The following is an entry in ClinVar:

ClinVar aggregate classification (germline): Uncertain significance (1 of 4 stars; one submission).

Submission:

Labcorp Genetics (formerly Invitae), Labcorp
Classification: Uncertain significance. Last evaluated: 2024-04-18. Review status: criteria provided, single submitter. Criteria: Invitae Variant Classification Sherloc (09022015). Collection method: clinical testing. Allele origin: germline.
Comment: This sequence change replaces alanine, which is neutral and non-polar, with valine, which is neutral and non-polar, at codon 1058 of the CACNA1E protein (p.Ala1058Val). This variant is not present in population databases (gnomAD no frequency). This variant has not been reported in the literature in individuals affected with CACNA1E-related conditions. Advanced modeling of protein sequence and biophysical properties (such as structural, functional, and spatial information, amino acid conservation, physicochemical variation, residue mobility, and thermodynamic stability) has been performed at Invitae for this missense variant, however the output from this modeling did not meet the statistical confidence thresholds required to predict the impact of this variant on CACNA1E protein function. In summary, the available evidence is currently insufficient to determine the role of this variant in disease. Therefore, it has been classified as a Variant of Uncertain Significance.

NM_001205293.3(CACNA1E):c.3173C>T (p.Ala1058Val)

Gene: CACNA1E (calcium voltage-gated channel subunit alpha1 E; plus strand). Cytogenetic location: 1q25.3.
Variant type: single nucleotide variant.
Coding change: c.3173C>T on transcript NM_001205293.3 (MANE Select); coding-DNA position 3173, C replaced by T.
Protein change: p.Ala1058Val; replaces alanine 1058 with valine.
Molecular consequence: missense variant.
Genome position (GRCh38, 1-based): chr1:181,733,661, C>T. VCF-style: chr1-181733661-C-T. GRCh37 (hg19) VCF-style: chr1-181702797-C-T.
Other names: c.3116C>T, p.Ala1039Val (NM_001205294.2); c.3173C>T, p.Ala1058Val (NM_000721.4); short protein forms A1058V, A1039V.
Identifiers: ClinVar variation 3716819 (VCV003716819.2).